The following is an entry in ClinVar:

ClinVar aggregate classification (germline): Benign/Likely benign. Review status: criteria provided, multiple submitters, no conflicts (2 of 4 stars). 3 submissions from 3 submitters: Benign (1); Likely benign (1). 1 of the submissions does not count toward it. Last evaluated 2023-01-16.

Allele frequency attached by ClinVar (database versions not stated): gnomAD 0.02276 and 0.02277; ExAC 0.02467; ESP Exome Variant Server 0.02500; 1000 Genomes Project 30x 0.01359; 1000 Genomes Project 0.01418; TOPMed 0.02055; gnomAD exomes 0.02491.
gnomAD v4.1: 50,996 of 1,598,870 alleles (3.2%); highest among the groups gnomAD compares: South Asian, 3.8%; 951 homozygotes.

Submissions (3):

Mayo Clinic Laboratories, Mayo Clinic
Classification: Benign. Last evaluated: 2023-01-16. Review status: criteria provided, single submitter. Criteria: ACMG Guidelines, 2015. Collection method: clinical testing. Allele origin: germline. Observed: 28 variant alleles.
Comment: BS1, BS2, BP4, BP7

Breakthrough Genomics
Classification: Likely benign. Review status: criteria provided, single submitter. Criteria: ACMG Guidelines, 2015. Collection method: not provided. Allele origin: germline. Inheritance: Autosomal recessive inheritance. Affected: yes.

Genetic Services Laboratory, University of Chicago
Classification: Likely benign for AllHighlyPenetrant. Review status: no assertion criteria provided. Collection method: clinical testing. Allele origin: germline. Inheritance: Autosomal recessive inheritance. Not counted in ClinVar's aggregate classification.
Comment: Likely benign based on allele frequency in 1000 Genomes Project or ESP global frequency and its presence in a patient with a rare or unrelated disease phenotype. NOT Sanger confirmed.

NM_001163809.2(WDR81):c.5343C>T (p.Gly1781=)

Gene: WDR81 (WD repeat domain 81; plus strand). Cytogenetic location: 17p13.3.
Variant type: single nucleotide variant.
Coding change: c.5343C>T on transcript NM_001163809.2 (MANE Select); coding-DNA position 5343, C replaced by T.
Protein change: p.Gly1781=; no amino-acid change (glycine 1781 retained).
Molecular consequence: synonymous variant.
Genome position (GRCh38, 1-based): chr17:1,736,056, C>T. VCF-style: chr17-1736056-C-T. GRCh37 (hg19) VCF-style: chr17-1639350-C-T.
Other names: p.Gly1781=; c.1734C>T, p.Gly578= (NM_001163673.2); c.1662C>T, p.Gly554= (NM_001163811.2); c.2190C>T, p.Gly730= (NM_152348.4).
Identifiers: ClinVar variation 130743 (VCV000130743.8), dbSNP rs117522064, ClinGen allele CA155996.